The following is an entry in ClinVar:

NM_000642.3(AGL):c.1372C>A (p.His458Asn)

Gene: AGL (amylo-alpha-1,6-glucosidase and 4-alpha-glucanotransferase; plus strand). Cytogenetic location: 1p21.2.
Variant type: single nucleotide variant.
Coding change: c.1372C>A on transcript NM_000642.3 (MANE Select); coding-DNA position 1372, C replaced by A.
Protein change: p.His458Asn; replaces histidine 458 with asparagine.
Molecular consequence: missense variant.
Genome position (GRCh38, 1-based): chr1:99,876,546, C>A. VCF-style: chr1-99876546-C-A. GRCh37 (hg19) VCF-style: chr1-100342102-C-A.
Other names: c.1324C>A, p.His442Asn (NM_000646.3); c.1372C>A, p.His458Asn (NM_001425325.1, NM_000028.3, NM_000643.3 and 2 more transcripts); c.1171C>A, p.His391Asn (NM_001425327.1); c.1168C>A, p.His390Asn (NM_001425328.1, NM_001425329.1); c.994C>A, p.His332Asn (NM_001425332.1); short protein forms H442N, H458N, H332N, H390N, H391N.
Identifiers: ClinVar variation 1053275 (VCV001053275.6), dbSNP rs1184815690, ClinGen allele CA341346379.

ClinVar aggregate classification (germline): Uncertain significance (1 of 4 stars; one submission).

Conditions:
Glycogen storage disease type III (GSD3). Also called: FORBES DISEASE; Cori disease. Identifiers: Orphanet 366, MedGen C0017922, MONDO:0009291, OMIM 232400.

Allele frequency attached by ClinVar (database versions not stated): gnomAD 0.00001; gnomAD exomes 0.00001.
gnomAD v4.1: 26 of 1,613,822 alleles (0.0016%); highest among the groups gnomAD compares: Non-Finnish European, 0.0021%; no homozygotes.

Submission:

Labcorp Genetics (formerly Invitae), Labcorp
Classification: Uncertain significance for Glycogen storage disease type III. Last evaluated: 2021-08-26. Review status: criteria provided, single submitter. Criteria: Invitae Variant Classification Sherloc (09022015). Collection method: clinical testing. Allele origin: germline.
Comment: This sequence change replaces histidine with asparagine at codon 458 of the AGL protein (p.His458Asn). The histidine residue is moderately conserved and there is a small physicochemical difference between histidine and asparagine. This variant is not present in population databases (ExAC no frequency). This variant has not been reported in the literature in individuals affected with AGL-related conditions. Algorithms developed to predict the effect of missense changes on protein structure and function (SIFT, PolyPhen-2, Align-GVGD) all suggest that this variant is likely to be tolerated. In summary, the available evidence is currently insufficient to determine the role of this variant in disease. Therefore, it has been classified as a Variant of Uncertain Significance.